The following is an entry in ClinVar:

ClinVar aggregate classification (germline): Uncertain significance (1 of 4 stars; one submission).

Conditions:
Primary ciliary dyskinesia. Also called: Ciliary dyskinesia. Identifiers: Orphanet 244, MedGen C0008780, MONDO:0016575, HP:0012265.

Allele frequency attached by ClinVar (database versions not stated): gnomAD exomes below 0.00001; ExAC 0.00002; gnomAD 0.00002; TOPMed 0.00002; ESP Exome Variant Server 0.00015.
gnomAD v4.1: 9 of 1,613,824 alleles (0.00056%); highest among the groups gnomAD compares: Non-Finnish European, 0.00076%; no homozygotes.

Submission:

Labcorp Genetics (formerly Invitae), Labcorp
Classification: Uncertain significance for Primary ciliary dyskinesia. Last evaluated: 2022-05-30. Review status: criteria provided, single submitter. Criteria: Invitae Variant Classification Sherloc (09022015). Collection method: clinical testing. Allele origin: germline.
Comment: This sequence change replaces arginine, which is basic and polar, with tryptophan, which is neutral and slightly polar, at codon 2338 of the DNAH8 protein (p.Arg2338Trp). This variant is present in population databases (rs148367783, gnomAD 0.003%). This variant has not been reported in the literature in individuals affected with DNAH8-related conditions. Algorithms developed to predict the effect of missense changes on protein structure and function are either unavailable or do not agree on the potential impact of this missense change (SIFT: "Deleterious"; PolyPhen-2: "Not Available"; Align-GVGD: "Class C0"). In summary, the available evidence is currently insufficient to determine the role of this variant in disease. Therefore, it has been classified as a Variant of Uncertain Significance.

NM_001206927.2(DNAH8):c.7012C>T (p.Arg2338Trp)

Gene: DNAH8 (dynein axonemal heavy chain 8; plus strand). Cytogenetic location: 6p21.2.
Variant type: single nucleotide variant.
Coding change: c.7012C>T on transcript NM_001206927.2 (MANE Select); coding-DNA position 7012, C replaced by T.
Protein change: p.Arg2338Trp; replaces arginine 2338 with tryptophan.
Molecular consequence: missense variant.
Genome position (GRCh38, 1-based): chr6:38,872,557, C>T. VCF-style: chr6-38872557-C-T. GRCh37 (hg19) VCF-style: chr6-38840333-C-T.
Other names: c.6361C>T, p.Arg2121Trp (NM_001371.4); short protein forms R2121W, R2338W.
Identifiers: ClinVar variation 2181003 (VCV002181003.1), dbSNP rs148367783, ClinGen allele CA3789812.